The following is an entry in ClinVar:

NM_006659.4(TUBGCP2):c.1237G>A (p.Glu413Lys)

Gene: TUBGCP2 (tubulin gamma complex component 2; minus strand). Cytogenetic location: 10q26.3.
Variant type: single nucleotide variant.
Coding change: c.1237G>A on transcript NM_006659.4 (MANE Select); coding-DNA position 1237, G replaced by A.
Protein change: p.Glu413Lys; replaces glutamic acid 413 with lysine.
Molecular consequence: missense variant. On other transcripts: non-coding transcript variant (1).
Genome position (GRCh38, 1-based): chr10:133,289,947, C>T on the plus strand (G>A on the coding strand, the complement: TUBGCP2 is on the minus strand). VCF-style: chr10-133289947-C-T. GRCh37 (hg19) VCF-style: chr10-135103451-C-T.
Other names: c.1321G>A, p.Glu441Lys (NM_001256617.2); c.847G>A, p.Glu283Lys (NM_001256618.2); short protein forms E283K, E413K, E441K.
Identifiers: ClinVar variation 2348432 (VCV002348432.26), dbSNP rs145657678, ClinGen allele CA5764080.

ClinVar aggregate classification (germline): Conflicting classifications of pathogenicity. Review status: criteria provided, conflicting classifications (1 of 4 stars). 2 submissions from 2 submitters: Uncertain significance (1); Likely benign (1). Last evaluated 2024-07-01.

Allele frequency attached by ClinVar (database versions not stated): TOPMed 0.00027; ExAC 0.00037; ESP Exome Variant Server 0.00038; gnomAD 0.00046.
gnomAD v4.1: 632 of 1,614,046 alleles (0.039%); highest among the groups gnomAD compares: Non-Finnish European, 0.046%; no homozygotes.

Submissions (2):

CeGaT Center for Human Genetics Tuebingen
Classification: Likely benign. Last evaluated: 2024-07-01. Review status: criteria provided, single submitter. Criteria: CeGaT Center For Human Genetics Tuebingen Variant Classification Criteria Version 2. Collection method: clinical testing. Allele origin: germline. Affected: yes. Observed: 2 variant alleles.
Comment: TUBGCP2: BS2

Ambry Genetics
Classification: Uncertain significance. Last evaluated: 2021-06-21. Review status: criteria provided, single submitter. Criteria: Ambry Variant Classification Scheme 2023. Collection method: clinical testing. Allele origin: germline.